The following is an entry in ClinVar:

NM_007254.4(PNKP):c.876A>G (p.Gly292=)

Gene: PNKP (polynucleotide kinase 3'-phosphatase; minus strand). Cytogenetic location: 19q13.33.
Variant type: single nucleotide variant.
Coding change: c.876A>G on transcript NM_007254.4 (MANE Select); coding-DNA position 876, A replaced by G.
Protein change: p.Gly292=; no amino-acid change (glycine 292 retained).
Molecular consequence: synonymous variant.
Genome position (GRCh38, 1-based): chr19:49,862,598, T>C on the plus strand (A>G on the coding strand, the complement: PNKP is on the minus strand). VCF-style: chr19-49862598-T-C. GRCh37 (hg19) VCF-style: chr19-50365855-T-C.
Other names: p.G292G:GGA>GGG; p.Gly292=.
Identifiers: ClinVar variation 138714 (VCV000138714.24), dbSNP rs3739199, ClinGen allele CA251165.
Genomic context (GRCh38, chr19:49,862,598, plus strand): 5'-CAGGCGATCGGCGCAGGAGAAGTCTTTCTTCTTCCGCCCCGGGGCCCAGTTGGCCGGGCG[T>C]CCGGCTGCGTCTGGAACACACGGGACACCCCGTTCCCACCAGCTCGGAGGGAGGCGTCCC-3'
Protein context (NP_009185.2, residues 282-302): GDSIFVGDAA[Gly292=]RPANWAPGRK

ClinVar aggregate classification (germline): Conflicting classifications of pathogenicity. Review status: criteria provided, conflicting classifications (1 of 4 stars). 7 submissions from 7 submitters: Uncertain significance (1); Benign (4); Likely benign (2). Last evaluated 2025-12-22.

Conditions:
Inborn genetic diseases. Identifiers: MedGen C0950123, MeSH D030342.
Developmental and epileptic encephalopathy, 12 (DEE12). Identifiers: MedGen C3150988, MONDO:0013389, OMIM 613722.
Microcephaly, seizures, and developmental delay. Identifiers: Orphanet 1934, MedGen C3150667, MONDO:0013254, OMIM 613402.

Allele frequency attached by ClinVar (database versions not stated): gnomAD 0.00033 and 0.00042; TOPMed 0.00053; ExAC 0.00091; gnomAD exomes 0.00094; 1000 Genomes Project 30x 0.00141; 1000 Genomes Project 0.00160.
gnomAD v4.1: 380 of 1,613,592 alleles (0.024%); highest among the groups gnomAD compares: East Asian, 0.66%; 1 homozygote.

Submissions (7):

Labcorp Genetics (formerly Invitae), Labcorp
Classification: Benign for Developmental and epileptic encephalopathy, 12. Last evaluated: 2025-12-22. Review status: criteria provided, single submitter. Criteria: Invitae Variant Classification Sherloc (09022015). Collection method: clinical testing. Allele origin: germline.

Mayo Clinic Laboratories, Mayo Clinic
Classification: Likely benign. Last evaluated: 2025-07-29. Review status: criteria provided, single submitter. Criteria: ACMG Guidelines, 2015. Collection method: clinical testing. Allele origin: germline. Observed: 1 variant allele.
Comment: BS1, BP4, BP7

Blueprint Genetics
Classification: Likely benign. Last evaluated: 2024-11-18. Review status: criteria provided, single submitter. Criteria: ACMG Guidelines, 2015. Collection method: clinical testing. Allele origin: germline.

Ambry Genetics
Classification: Benign for Inborn genetic diseases. Last evaluated: 2017-06-14. Review status: criteria provided, single submitter. Criteria: Ambry Variant Classification Scheme 2023. Collection method: clinical testing. Allele origin: germline.

Eurofins Ntd Llc (ga)
Classification: Benign. Last evaluated: 2015-02-05. Review status: criteria provided, single submitter. Criteria: EGL Classification Definitions 2015. Collection method: clinical testing. Allele origin: germline. Observed: 1 variant allele, 1 heterozygote.

GeneDx
Classification: Benign. Last evaluated: 2013-06-28. Review status: criteria provided, single submitter. Criteria: GeneDx Variant Classification (06012015). Collection method: clinical testing. Allele origin: germline. Affected: yes.
Comment: This variant is considered likely benign or benign based on one or more of the following criteria: it is a conservative change, it occurs at a poorly conserved position in the protein, it is predicted to be benign by multiple in silico algorithms, and/or has population frequency not consistent with disease.

Genetic Services Laboratory, University of Chicago
Classification: Uncertain significance for Epileptic encephalopathy, early infantile, 10. Last evaluated: 2013-02-08. Review status: criteria provided, single submitter. Criteria: ACMG Guidelines, 2007. Collection method: clinical testing. Allele origin: germline. Inheritance: Autosomal recessive inheritance.